The following is an entry in ClinVar:

ClinVar aggregate classification (germline): Uncertain significance (1 of 4 stars; one submission).

Conditions:
Leigh syndrome (NULS). Also called: Leigh's syndrome; Leigh Disease; Subacute necrotizing encephalopathy; Necrotizing encephalopathy infantile subacute of Leigh; LEIGH SYNDROME, NUCLEAR; Leigh's necrotizing encephalopathy. Identifiers: Orphanet 506, MedGen C2931891, MONDO:0009723, OMIM 256000.
Mitochondrial disease. Also called: Mitochondrial disorder; Mitochondrial disorders. Identifiers: Orphanet 68380, MedGen C0751651, MeSH D028361, MONDO:0044970.

Submission:

Wong Mito Lab, Molecular and Human Genetics, Baylor College of Medicine
Classification: Uncertain significance for Leigh syndrome. Last evaluated: 2019-10-17. Review status: criteria provided, single submitter. Criteria: Modified ACMG Guidelines (Unpublished). Collection method: clinical testing. Allele origin: germline.
Comment: The NC_012920.1:m.12994G>A (YP_003024036.1:p.Ala220Thr) variant in MTND5 gene is interpretated to be a Uncertain Significance variant based on the modified ACMG guidelines (unpublished). This variant meets the following evidence codes: PP7, BP5

NC_012920.1(MT-ND5):m.12994G>A

Gene: MT-ND5 (mitochondrially encoded NADH dehydrogenase 5; plus strand).
Variant type: single nucleotide variant.
Genome position: chrM-12994-G-A.
Identifiers: ClinVar variation 693509 (VCV000693509.2), dbSNP rs1603223993, ClinGen allele CA414815822.